The following is an entry in ClinVar:

NM_001083926.2(ASRGL1):c.440G>A (p.Arg147His)

Gene: ASRGL1 (asparaginase and isoaspartyl peptidase 1; plus strand). Cytogenetic location: 11q12.3.
Variant type: single nucleotide variant.
Coding change: c.440G>A on transcript NM_001083926.2 (MANE Select); coding-DNA position 440, G replaced by A.
Protein change: p.Arg147His; replaces arginine 147 with histidine.
Molecular consequence: missense variant.
Genome position (GRCh38, 1-based): chr11:62,357,093, G>A. VCF-style: chr11-62357093-G-A. GRCh37 (hg19) VCF-style: chr11-62124565-G-A.
Other names: c.440G>A, p.Arg147His (NM_025080.4); short protein forms R147H.
Identifiers: ClinVar variation 959468 (VCV000959468.9), dbSNP rs746969296, ClinGen allele CA6043193.

ClinVar aggregate classification (germline): Uncertain significance (1 of 4 stars; one submission).

Allele frequency attached by ClinVar (database versions not stated): ExAC 0.00002; gnomAD exomes 0.00002; TOPMed 0.00002.
gnomAD v4.1: 49 of 1,613,878 alleles (0.003%); highest among the groups gnomAD compares: Middle Eastern, 0.016%; no homozygotes.

Submission:

Labcorp Genetics (formerly Invitae), Labcorp
Classification: Uncertain significance. Last evaluated: 2025-04-28. Review status: criteria provided, single submitter. Criteria: Invitae Variant Classification Sherloc (09022015). Collection method: clinical testing. Allele origin: germline.
Comment: This sequence change replaces arginine, which is basic and polar, with histidine, which is basic and polar, at codon 147 of the ASRGL1 protein (p.Arg147His). This variant is present in population databases (rs746969296, gnomAD 0.01%). This variant has not been reported in the literature in individuals affected with ASRGL1-related conditions. ClinVar contains an entry for this variant (Variation ID: 959468). An algorithm developed to predict the effect of missense changes on protein structure and function outputs the following: PolyPhen-2: "Benign". The histidine amino acid residue is found in multiple mammalian species, which suggests that this missense change does not adversely affect protein function. In summary, the available evidence is currently insufficient to determine the role of this variant in disease. Therefore, it has been classified as a Variant of Uncertain Significance.